The following is an entry in ClinVar:

ClinVar aggregate classification (germline): Likely benign (1 of 4 stars; one submission).

Conditions:
KIF2A-related disorder. Also called: KIF2A-related condition.

Submission:

PreventionGenetics, part of Exact Sciences
Classification: Likely benign for KIF2A-related condition. Last evaluated: 2024-10-07. Review status: criteria provided, single submitter. Criteria: ACMG Guidelines, 2015. Collection method: clinical testing. Allele origin: germline.
Comment: This variant is classified as likely benign based on ACMG/AMP sequence variant interpretation guidelines (Richards et al. 2015 PMID: 25741868, with internal and published modifications).

NM_001098511.3(KIF2A):c.540T>G (p.Leu180=)

Gene: KIF2A (kinesin family member 2A; plus strand). Cytogenetic location: 5q12.1.
Variant type: single nucleotide variant.
Coding change: c.540T>G on transcript NM_001098511.3 (MANE Select); coding-DNA position 540, T replaced by G.
Protein change: p.Leu180=; no amino-acid change (leucine 180 retained).
Molecular consequence: synonymous variant.
Genome position (GRCh38, 1-based): chr5:62,353,357, T>G. VCF-style: chr5-62353357-T-G. GRCh37 (hg19) VCF-style: chr5-61649184-T-G.
Other names: c.459T>G, p.Leu153= (NM_001243952.2); c.483T>G, p.Leu161= (NM_001243953.2); c.540T>G, p.Leu180= (NM_004520.5).
Identifiers: ClinVar variation 4983909 (VCV004983909.1).
Genomic context (GRCh38, chr5:62,353,357, plus strand): 5'-GAAAGAAGTAGAAAAACTGCAAGAAAAACGAGAGAAAAGGAGATTGCAACAGCAAGAACT[T>G]AGAGAAAAAAGAGCCCAGGTTCGTAACATAAACATATATTTTGTTTATGTACCAACCAGA-3'
Protein context (NP_001091981.1, residues 170-190): REKRRLQQQE[Leu180=]REKRAQDVDA